The following is an entry in ClinVar:

ClinVar aggregate classification (germline): Uncertain significance (1 of 4 stars; one submission).

Submission:

Labcorp Genetics (formerly Invitae), Labcorp
Classification: Uncertain significance. Last evaluated: 2025-07-21. Review status: criteria provided, single submitter. Criteria: Invitae Variant Classification Sherloc (09022015). Collection method: clinical testing. Allele origin: germline.
Comment: This sequence change affects the initiator codon of the NFE2L2 mRNA. This change may impact translation initiation or efficiency. The next in-frame methionine is located at codon 2. This variant is not present in population databases (gnomAD no frequency). This variant has not been reported in the literature in individuals affected with NFE2L2-related conditions. Experimental studies and prediction algorithms are not available or were not evaluated, and the functional significance of this variant is currently unknown. In summary, the available evidence is currently insufficient to determine the role of this variant in disease. Therefore, it has been classified as a Variant of Uncertain Significance.

NM_006164.5(NFE2L2):c.2T>C (p.Met1Thr)

Genes: NFE2L2 (NFE2 like bZIP transcription factor 2; minus strand), LOC129935169 (ATAC-STARR-seq lymphoblastoid silent region 12145; plus strand). Cytogenetic location: 2q31.2.
Variant type: single nucleotide variant.
Coding change: c.2T>C on transcript NM_006164.5 (MANE Select); coding-DNA position 2, T replaced by C.
Protein change: p.Met1Thr; changes the start codon (methionine 1).
Molecular consequence: missense variant, initiator codon variant.
Genome position (GRCh38, 1-based): chr2:177,264,575, A>G on the plus strand (T>C on the coding strand, the complement: NFE2L2 is on the minus strand). VCF-style: chr2-177264575-A-G. GRCh37 (hg19) VCF-style: chr2-178129303-A-G.
Other names: c.2T>C, p.Met1Thr (NM_001313902.2, NM_001313903.2); short protein forms M1T.
Identifiers: ClinVar variation 4768034 (VCV004768034.1).